The following is an entry in ClinVar:

NM_000379.4(XDH):c.2851G>A (p.Gly951Arg)

Gene: XDH (xanthine dehydrogenase; minus strand). Cytogenetic location: 2p23.1.
Variant type: single nucleotide variant.
Coding change: c.2851G>A on transcript NM_000379.4 (MANE Select); coding-DNA position 2851, G replaced by A.
Protein change: p.Gly951Arg; replaces glycine 951 with arginine.
Molecular consequence: missense variant.
Genome position (GRCh38, 1-based): chr2:31,349,804, C>T on the plus strand (G>A on the coding strand, the complement: XDH is on the minus strand). VCF-style: chr2-31349804-C-T. GRCh37 (hg19) VCF-style: chr2-31572670-C-T.
Other names: short protein forms G951R.
Identifiers: ClinVar variation 335769 (VCV000335769.15), dbSNP rs142675390, ClinGen allele CA1598647.

ClinVar aggregate classification (germline): Conflicting classifications of pathogenicity. Review status: criteria provided, conflicting classifications (1 of 4 stars). 3 submissions from 3 submitters: Uncertain significance (1); Likely benign (1). 1 of the submissions does not count toward it. Last evaluated 2025-08-11.

Conditions:
Xanthinuria type II. Also called: Xanthine dehydrogenase and aldehyde oxidase combined deficiency of; XDH and AOX dual deficiency. Identifiers: Orphanet 3467, Orphanet 93602, MedGen C1863688, MONDO:0011346, OMIM 603592.
XDH-related disorder. Also called: XDH-related condition.
Hereditary xanthinuria type 1 (XAN1). Identifiers: Orphanet 3467, Orphanet 93601, MedGen C0268118, MONDO:0010209, OMIM 278300.

Allele frequency attached by ClinVar (database versions not stated): ESP Exome Variant Server 0.00015; TOPMed 0.00022; ExAC 0.00042; gnomAD exomes 0.00046 and 0.00050; 1000 Genomes Project 30x 0.00047; gnomAD 0.00052 and 0.00053; 1000 Genomes Project 0.00060.
gnomAD v4.1: 792 of 1,614,120 alleles (0.049%); highest among the groups gnomAD compares: Non-Finnish European, 0.046%; 1 homozygote.

Submissions (3):

Labcorp Genetics (formerly Invitae), Labcorp
Classification: Likely benign for Xanthinuria type II. Last evaluated: 2025-08-11. Review status: criteria provided, single submitter. Criteria: Invitae Variant Classification Sherloc (09022015). Collection method: clinical testing. Allele origin: germline.

Illumina Laboratory Services, Illumina
Classification: Uncertain significance for Hereditary xanthinuria type 1. Last evaluated: 2018-01-13. Review status: criteria provided, single submitter. Criteria: ICSL Variant Classification Criteria 13 December 2019. Collection method: clinical testing. Allele origin: germline.

PreventionGenetics, part of Exact Sciences
Classification: Likely benign for XDH-related condition. Last evaluated: 2022-08-15. Review status: no assertion criteria provided. Collection method: clinical testing. Allele origin: germline. Not counted in ClinVar's aggregate classification.
Comment: This variant is classified as likely benign based on ACMG/AMP sequence variant interpretation guidelines (Richards et al. 2015 PMID: 25741868, with internal and published modifications).